The following is an entry in ClinVar:

ClinVar aggregate classification (germline): Uncertain significance (1 of 4 stars; one submission).

Submission:

Labcorp Genetics (formerly Invitae), Labcorp
Classification: Uncertain significance. Last evaluated: 2025-07-03. Review status: criteria provided, single submitter. Criteria: Invitae Variant Classification Sherloc (09022015). Collection method: clinical testing. Allele origin: germline.
Comment: This sequence change replaces serine, which is neutral and polar, with threonine, which is neutral and polar, at codon 154 of the POLA1 protein (p.Ser154Thr). This variant is not present in population databases (gnomAD no frequency). This variant has not been reported in the literature in individuals affected with POLA1-related conditions. Invitae Evidence Modeling of protein sequence and biophysical properties (such as structural, functional, and spatial information, amino acid conservation, physicochemical variation, residue mobility, and thermodynamic stability) indicates that this missense variant is expected to disrupt POLA1 protein function with a positive predictive value of 80%. In summary, the available evidence is currently insufficient to determine the role of this variant in disease. Therefore, it has been classified as a Variant of Uncertain Significance.

NM_001330360.2(POLA1):c.478T>A (p.Ser160Thr)

Gene: POLA1 (DNA polymerase alpha 1, catalytic subunit; plus strand). Cytogenetic location: Xp22.11.
Variant type: single nucleotide variant.
Coding change: c.478T>A on transcript NM_001330360.2 (MANE Select); coding-DNA position 478, T replaced by A.
Protein change: p.Ser160Thr; replaces serine 160 with threonine.
Molecular consequence: missense variant. On other transcripts: non-coding transcript variant (2).
Genome position (GRCh38, 1-based): chrX:24,715,156, T>A. VCF-style: chrX-24715156-T-A. GRCh37 (hg19) VCF-style: chrX-24733273-T-A.
Other names: c.478T>A, p.Ser160Thr (NM_001378303.1, NM_001440806.1); c.460T>A, p.Ser154Thr (NM_016937.4); short protein forms S154T, S160T.
Identifiers: ClinVar variation 4743021 (VCV004743021.1).